The following is an entry in ClinVar:

NM_001244008.2(KIF1A):c.1406C>G (p.Ala469Gly)

Gene: KIF1A (kinesin family member 1A; minus strand). Cytogenetic location: 2q37.3.
Variant type: single nucleotide variant.
Coding change: c.1406C>G on transcript NM_001244008.2 (MANE Select); coding-DNA position 1406, C replaced by G.
Protein change: p.Ala469Gly; replaces alanine 469 with glycine.
Molecular consequence: missense variant.
Genome position (GRCh38, 1-based): chr2:240,769,642, G>C on the plus strand (C>G on the coding strand, the complement: KIF1A is on the minus strand). VCF-style: chr2-240769642-G-C. GRCh37 (hg19) VCF-style: chr2-241709059-G-C.
Other names: c.1406C>G, p.Ala469Gly (NM_001320705.2, NM_001330289.2, NM_001379638.1); c.1481C>G, p.Ala494Gly (NM_001330290.2, NM_001379631.1, NM_001379634.1 and 2 more transcripts); c.1379C>G, p.Ala460Gly (NM_001379632.1, NM_001379633.1, NM_001379636.1 and 10 more transcripts); c.1454C>G, p.Ala485Gly (NM_001379637.1, NM_001379648.1); short protein forms A460G, A469G, A485G, A494G.
Identifiers: ClinVar variation 974914 (VCV000974914.1), dbSNP rs2051688642, ClinGen allele CA351329809.

ClinVar aggregate classification (germline): Uncertain significance (1 of 4 stars; one submission).

Conditions:
Hereditary spastic paraplegia 30. Identifiers: Orphanet 101010, MedGen C5235139, MONDO:0012476.

Allele frequency attached by ClinVar (database versions not stated): gnomAD exomes below 0.00001.
gnomAD v4.1: 1 of 1,613,334 alleles (0.000062%); highest among the groups gnomAD compares: Non-Finnish European, 0.000085%; no homozygotes.

Submission:

SIB Swiss Institute of Bioinformatics
Classification: Uncertain significance for Spastic paraplegia 30A, autosomal dominant. Last evaluated: 2020-06-15. Review status: criteria provided, single submitter. Criteria: ACMG Guidelines, 2015. Collection method: curation. Allele origin: unknown.
Comment: This variant is interpreted as a variant of uncertain significance for spastic paraplegia 30, autosomal dominant. The following ACMG Tag(s) were applied: Absent from controls (or at extremely low frequency if recessive) in Exome Sequencing Project, 1000 Genomes Project, or Exome Aggregation Consortium (PM2); Missense variant in a gene that has a low rate of benign missense variation and in which missense variants are a common mechanism of disease (PP2).

Literature cited by the submitters: PubMed 31488895.